The following is an entry in ClinVar:

ClinVar aggregate classification (germline): Uncertain significance (1 of 4 stars; one submission).

Conditions:
Werner syndrome (WRN). Identifiers: Orphanet 902, MedGen C0043119, MONDO:0010196, OMIM 277700.

Submission:

Labcorp Genetics (formerly Invitae), Labcorp
Classification: Uncertain significance for Werner syndrome. Last evaluated: 2024-07-08. Review status: criteria provided, single submitter. Criteria: Invitae Variant Classification Sherloc (09022015). Collection method: clinical testing. Allele origin: germline.
Comment: This sequence change replaces glycine, which is neutral and non-polar, with arginine, which is basic and polar, at codon 576 of the WRN protein (p.Gly576Arg). Information on the frequency of this variant in the gnomAD database is not available, as this variant may be reported differently in the database. This variant has not been reported in the literature in individuals affected with WRN-related conditions. ClinVar contains an entry for this variant (Variation ID: 943211). Experimental studies and prediction algorithms are not available or were not evaluated, and the functional significance of this variant is currently unknown. In summary, the available evidence is currently insufficient to determine the role of this variant in disease. Therefore, it has been classified as a Variant of Uncertain Significance.

NM_000553.6(WRN):c.1725_1726inv (p.Gly576Arg)

Gene: WRN (WRN RecQ like helicase; plus strand). Cytogenetic location: 8p12.
Variant type: Inversion.
Coding change: c.1725_1726inv on transcript NM_000553.6 (MANE Select).
Protein change: p.Gly576Arg; replaces glycine 576 with arginine.
Molecular consequence: missense variant.
Genome position: GRCh38 VCF-style: chr8-31090838-TG-CA. GRCh37 (hg19) VCF-style: chr8-30948354-TG-CA.
Other names: short protein forms G576R.
Identifiers: ClinVar variation 943211 (VCV000943211.6), ClinGen allele CA1139660425.